The following is an entry in ClinVar:

ClinVar aggregate classification (germline): Pathogenic (1 of 4 stars; one submission).

Submission:

Labcorp Genetics (formerly Invitae), Labcorp
Classification: Pathogenic. Last evaluated: 2021-10-23. Review status: criteria provided, single submitter. Criteria: Invitae Variant Classification Sherloc (09022015). Collection method: clinical testing. Allele origin: germline.
Comment: This sequence change creates a premature translational stop signal (p.His1159Profs*10) in the ELP1 gene. It is expected to result in an absent or disrupted protein product. Loss-of-function variants in ELP1 are known to be pathogenic (PMID: 18303054, 24173031). This variant is not present in population databases (ExAC no frequency). This variant has not been reported in the literature in individuals affected with ELP1-related conditions. For these reasons, this variant has been classified as Pathogenic.

Literature cited by the submitters: PubMed 18303054; PubMed 24173031.

NM_003640.5(ELP1):c.3475dup (p.His1159fs)

Gene: ELP1 (elongator acetyltransferase complex subunit 1; minus strand). Cytogenetic location: 9q31.3.
Variant type: Duplication.
Coding change: c.3475dup on transcript NM_003640.5 (MANE Select); coding-DNA position 3475, one base duplicated (C; older notation c.3475dupC).
Protein change: p.His1159fs; shifts the reading frame from histidine 1159.
Molecular consequence: frameshift variant.
Genome position (GRCh38, 1-based): chr9:108,879,543, G duplicated on the plus strand (C on the coding strand, the reverse complement: ELP1 is on the minus strand); the first of 4 consecutive G bases (chr9:108,879,543-108,879,546); duplicating any one gives the same sequence. VCF-style (leftmost placement, unchanged base first): chr9-108879542-T-TG. GRCh37 (hg19) VCF-style: chr9-111641822-T-TG.
Other names: c.3133dup, p.His1045fs (NM_001318360.2); c.2428dup, p.His810fs (NM_001330749.2); short protein forms H1045fs, H1159fs, H810fs.
Identifiers: ClinVar variation 1391848 (VCV001391848.6), dbSNP rs2118938912, ClinGen allele CA2573143741.